The following is an entry in ClinVar:

ClinVar aggregate classification (germline): Likely benign. Review status: criteria provided, single submitter (1 of 4 stars). 2 submissions from 2 submitters: Likely benign (1). 1 of the submissions does not count toward it. Last evaluated 2022-08-16.

Conditions:
C2CD3-related disorder. Also called: C2CD3-related condition.

Allele frequency attached by ClinVar (database versions not stated): gnomAD exomes 0.00001; gnomAD 0.00003; TOPMed 0.00003.
gnomAD v4.1: 21 of 1,612,680 alleles (0.0013%); highest among the groups gnomAD compares: Admixed American, 0.005%; no homozygotes.

Submissions (2):

Labcorp Genetics (formerly Invitae), Labcorp
Classification: Likely benign. Last evaluated: 2022-08-16. Review status: criteria provided, single submitter. Criteria: Invitae Variant Classification Sherloc (09022015). Collection method: clinical testing. Allele origin: germline.

PreventionGenetics, part of Exact Sciences
Classification: Likely benign for C2CD3-related condition. Last evaluated: 2024-08-29. Review status: no assertion criteria provided. Collection method: clinical testing. Allele origin: germline. Not counted in ClinVar's aggregate classification.
Comment: This variant is classified as likely benign based on ACMG/AMP sequence variant interpretation guidelines (Richards et al. 2015 PMID: 25741868, with internal and published modifications).

NM_001286577.2(C2CD3):c.5121A>G (p.Gln1707=)

Gene: C2CD3 (C2 domain containing 3 centriole elongation regulator; minus strand). Cytogenetic location: 11q13.4.
Variant type: single nucleotide variant.
Coding change: c.5121A>G on transcript NM_001286577.2 (MANE Select); coding-DNA position 5121, A replaced by G.
Protein change: p.Gln1707=; no amino-acid change (glutamine 1707 retained).
Molecular consequence: synonymous variant.
Genome position (GRCh38, 1-based): chr11:74,054,641, T>C on the plus strand (A>G on the coding strand, the complement: C2CD3 is on the minus strand). VCF-style: chr11-74054641-T-C. GRCh37 (hg19) VCF-style: chr11-73765686-T-C.
Other names: c.5121A>G, p.Gln1707= (NM_015531.6); c.5121A>G (NM_015531.5).
Identifiers: ClinVar variation 1930747 (VCV001930747.6), dbSNP rs909010609, ClinGen allele CA224517542.
Genomic context (GRCh38, chr11:74,054,641, plus strand): 5'-AGATATTCTTTTAACAGAGTTCATACCTCCTTTATGCCAAACTTTGAAGACCAGGGTTTG[T>C]TGTGGGTCCAGAAGCAGCTCTTTTGATAGCCTATTAAGAAAAACAACCACTGTAAACTAA-3'
Protein context (NP_001273506.1, residues 1697-1717): RLSKELLLDP[Gln1707=]QTLVFKVWHK